The following is an entry in ClinVar:

ClinVar aggregate classification (germline): Uncertain significance. Review status: criteria provided, multiple submitters, no conflicts (2 of 4 stars). 2 submissions from 2 submitters: Uncertain significance (2). Last evaluated 2024-10-29.

Allele frequency attached by ClinVar (database versions not stated): gnomAD 0.00001; gnomAD exomes 0.00001 and 0.00005; ExAC 0.00002; TOPMed 0.00002.
gnomAD v4.1: 74 of 1,612,524 alleles (0.0046%); highest among the groups gnomAD compares: Non-Finnish European, 0.0062%; no homozygotes.

Submissions (2):

Labcorp Genetics (formerly Invitae), Labcorp
Classification: Uncertain significance. Last evaluated: 2024-10-29. Review status: criteria provided, single submitter. Criteria: Invitae Variant Classification Sherloc (09022015). Collection method: clinical testing. Allele origin: germline.
Comment: This sequence change replaces threonine, which is neutral and polar, with alanine, which is neutral and non-polar, at codon 2507 of the DCHS1 protein (p.Thr2507Ala). This variant is present in population databases (rs772780083, gnomAD 0.003%). This variant has not been reported in the literature in individuals affected with DCHS1-related conditions. ClinVar contains an entry for this variant (Variation ID: 376848). Invitae Evidence Modeling of protein sequence and biophysical properties (such as structural, functional, and spatial information, amino acid conservation, physicochemical variation, residue mobility, and thermodynamic stability) has been performed for this missense variant. However, the output from this modeling did not meet the statistical confidence thresholds required to predict the impact of this variant on DCHS1 protein function. In summary, the available evidence is currently insufficient to determine the role of this variant in disease. Therefore, it has been classified as a Variant of Uncertain Significance.

Center for Pediatric Genomic Medicine, Children's Mercy Hospital and Clinics
Classification: Uncertain significance. Last evaluated: 2016-08-19. Review status: criteria provided, single submitter. Criteria: ACMG Guidelines, 2015. Collection method: clinical testing. Allele origin: germline.
ClinVar note: Converted during submission from Uncertain Significance to Uncertain significance.

NM_003737.4(DCHS1):c.7519A>G (p.Thr2507Ala)

Gene: DCHS1 (dachsous cadherin-related 1; minus strand). Cytogenetic location: 11p15.4.
Variant type: single nucleotide variant.
Coding change: c.7519A>G on transcript NM_003737.4 (MANE Select); coding-DNA position 7519, A replaced by G.
Protein change: p.Thr2507Ala; replaces threonine 2507 with alanine.
Molecular consequence: missense variant.
Genome position (GRCh38, 1-based): chr11:6,624,157, T>C on the plus strand (A>G on the coding strand, the complement: DCHS1 is on the minus strand). VCF-style: chr11-6624157-T-C. GRCh37 (hg19) VCF-style: chr11-6645388-T-C.
Other names: short protein forms T2507A.
Identifiers: ClinVar variation 376848 (VCV000376848.7), dbSNP rs772780083, ClinGen allele CA5859586.
Genomic context (GRCh38, chr11:6,624,157, plus strand): 5'-AGTTGCCACTGATGATGCTGTAGTCCACAGCGGCATGGCTGCGGCTTCCATCAGCATCTG[T>C]AGCCTCCAGGGTGAGCAGAGTGGAGCCAGGGGGCAGGTCTTCAGTCACAGCCACACGGTA-3'
Protein context (NP_003728.1, residues 2497-2517): PGSTLLTLEA[Thr2507Ala]DADGSRSHAA